The following is an entry in ClinVar:

NM_001256789.3(CACNA1F):c.1535G>A (p.Arg512His)

Gene: CACNA1F (calcium voltage-gated channel subunit alpha1 F; minus strand). Cytogenetic location: Xp11.23.
Variant type: single nucleotide variant.
Coding change: c.1535G>A on transcript NM_001256789.3 (MANE Select); coding-DNA position 1535, G replaced by A.
Protein change: p.Arg512His; replaces arginine 512 with histidine.
Molecular consequence: missense variant.
Genome position (GRCh38, 1-based): chrX:49,226,025, C>T on the plus strand (G>A on the coding strand, the complement: CACNA1F is on the minus strand). VCF-style: chrX-49226025-C-T. GRCh37 (hg19) VCF-style: chrX-49082487-C-T.
Other names: c.1568G>A (NM_005183.3); c.1373G>A, p.Arg458His (NM_001256790.3); c.1568G>A, p.Arg523His (NM_005183.4); short protein forms R523H, R458H, R512H.
Identifiers: ClinVar variation 208890 (VCV000208890.14), dbSNP rs146847449, ClinGen allele CA210170.

ClinVar aggregate classification (germline): Benign/Likely benign. Review status: criteria provided, multiple submitters, no conflicts (2 of 4 stars). 6 submissions from 6 submitters: Benign (2); Likely benign (2). 2 of the submissions do not count toward it. Last evaluated 2026-01-26.

Conditions:
CACNA1F-related disorder. Also called: CACNA1F-related condition.
Abnormality of neuronal migration. Identifiers: MedGen C1837249, HP:0002269.
Aland island eye disease (AIED). Also called: Forsius Eriksson type ocular albinism. Identifiers: Orphanet 178333, MedGen C0268505, MONDO:0010371, OMIM 300600.
Congenital stationary night blindness 2A (CSNB2A). Also called: CSNB, INCOMPLETE, X-LINKED; CACNA1F-Related X-Linked Congenital Stationary Night Blindness; Night blindness, congenital stationary (incomplete), 2A, X-linked; NIGHT BLINDNESS, CONGENITAL STATIONARY, TYPE 2. Identifiers: Orphanet 215, MedGen C1848172, MONDO:0010241, OMIM 300071.
X-linked cone-rod dystrophy 3 (CORDX3). Identifiers: Orphanet 1872, MedGen C1845407, MONDO:0010335, OMIM 300476.

Allele frequency attached by ClinVar (database versions not stated): 1000 Genomes Project 0.00053; ESP Exome Variant Server 0.00085; TOPMed 0.00099; ExAC 0.00108; 1000 Genomes Project 30x 0.00042.
gnomAD v4.1: 295 of 1,186,491 alleles (0.025%); highest among the groups gnomAD compares: East Asian, 0.39%; 1 homozygote.

Submissions (6):

Labcorp Genetics (formerly Invitae), Labcorp
Classification: Benign. Last evaluated: 2026-01-26. Review status: criteria provided, single submitter. Criteria: Invitae Variant Classification Sherloc (09022015). Collection method: clinical testing. Allele origin: germline.

Blueprint Genetics
Classification: Likely benign. Last evaluated: 2024-11-14. Review status: criteria provided, single submitter. Criteria: ACMG Guidelines, 2015. Collection method: clinical testing. Allele origin: germline.

Fulgent Genetics
Classification: Likely benign for Congenital stationary night blindness 2A; X-linked cone-rod dystrophy 3; Aland island eye disease. Last evaluated: 2021-12-21. Review status: criteria provided, single submitter. Criteria: ACMG Guidelines, 2015. Collection method: clinical testing. Allele origin: unknown.

Breakthrough Genomics
Classification: Benign. Review status: criteria provided, single submitter. Criteria: ACMG Guidelines, 2015. Collection method: not provided. Allele origin: germline. Inheritance: X-linked inheritance. Affected: yes.

PreventionGenetics, part of Exact Sciences
Classification: Benign for CACNA1F-related condition. Last evaluated: 2019-07-03. Review status: no assertion criteria provided. Collection method: clinical testing. Allele origin: germline. Not counted in ClinVar's aggregate classification.
Comment: This variant is classified as benign based on ACMG/AMP sequence variant interpretation guidelines (Richards et al. 2015 PMID: 25741868, with internal and published modifications).

Génétique et pathophysiologie de maladies neurodéveloppementales et épileptogènes, Institut de génétique et de biologie moléculaire et cellulaire
Classification: Benign for Malformation of Cortical Development. Last evaluated: 2014-10-31. Review status: no assertion criteria provided. Collection method: clinical testing. Allele origin: unknown. Affected: yes. Observed: 1 variant allele, 1 hemizygote. Not counted in ClinVar's aggregate classification.